The following is an entry in ClinVar:

NM_000535.7(PMS2):c.1373C>T (p.Thr458Ile)

Gene: PMS2 (PMS1 homolog 2, mismatch repair system component; minus strand). Cytogenetic location: 7p22.1.
Variant type: single nucleotide variant.
Coding change: c.1373C>T on transcript NM_000535.7 (MANE Select); coding-DNA position 1373, C replaced by T.
Protein change: p.Thr458Ile; replaces threonine 458 with isoleucine.
Molecular consequence: missense variant. On other transcripts: non-coding transcript variant (1).
Genome position (GRCh38, 1-based): chr7:5,987,392, G>A on the plus strand (C>T on the coding strand, the complement: PMS2 is on the minus strand). VCF-style: chr7-5987392-G-A. GRCh37 (hg19) VCF-style: chr7-6027023-G-A.
Other names: c.968C>T, p.Thr323Ile (NM_001322003.2, NM_001322004.2, NM_001322005.2 and 1 more transcripts); c.1217C>T, p.Thr406Ile (NM_001322006.2); c.1055C>T, p.Thr352Ile (NM_001322007.2, NM_001322008.2); c.812C>T, p.Thr271Ile (NM_001322010.2); c.440C>T, p.Thr147Ile (NM_001322011.2, NM_001322012.2); c.800C>T, p.Thr267Ile (NM_001322013.2); c.1373C>T, p.Thr458Ile (NM_001322014.2); c.1064C>T, p.Thr355Ile (NM_001322015.2); short protein forms T458I, T267I, T271I, T323I, T352I, T147I, T355I, T406I.
Identifiers: ClinVar variation 219964 (VCV000219964.11), dbSNP rs755348833, ClinGen allele CA043193.

ClinVar aggregate classification (germline): Uncertain significance. Review status: criteria provided, multiple submitters, no conflicts (2 of 4 stars). 2 submissions from 2 submitters: Uncertain significance (2). Last evaluated 2026-01-19.

Conditions:
Hereditary nonpolyposis colorectal neoplasms. Identifiers: MedGen C0009405, MeSH D003123.

Allele frequency attached by ClinVar (database versions not stated): gnomAD exomes below 0.00001; ExAC 0.00001.
gnomAD v4.1: 1 of 1,614,226 alleles (0.000062%); highest among the groups gnomAD compares: Non-Finnish European, 0.000085%; no homozygotes.

Submissions (2):

Labcorp Genetics (formerly Invitae), Labcorp
Classification: Uncertain significance for Hereditary nonpolyposis colorectal neoplasms. Last evaluated: 2026-01-19. Review status: criteria provided, single submitter. Criteria: Invitae Variant Classification Sherloc (09022015). Collection method: clinical testing. Allele origin: germline.
Comment: This sequence change replaces threonine, which is neutral and polar, with isoleucine, which is neutral and non-polar, at codon 458 of the PMS2 protein (p.Thr458Ile). This variant is present in population databases (rs755348833, gnomAD 0.0009%). This variant has not been reported in the literature in individuals affected with PMS2-related conditions. ClinVar contains an entry for this variant (Variation ID: 219964). Invitae Evidence Modeling incorporating data from in vitro experimental studies (internal data) indicates that this missense variant is not expected to disrupt PMS2 function with a negative predictive value of 95%. In summary, the available evidence is currently insufficient to determine the role of this variant in disease. Therefore, it has been classified as a Variant of Uncertain Significance.

GeneDx
Classification: Uncertain significance. Last evaluated: 2022-06-17. Review status: criteria provided, single submitter. Criteria: GeneDx Variant Classification Process June 2021. Collection method: clinical testing. Allele origin: germline. Affected: yes.
Comment: Not observed at significant frequency in large population cohorts (gnomAD); In silico analysis supports that this missense variant does not alter protein structure/function; Has not been previously published as pathogenic or benign to our knowledge